The following is an entry in ClinVar:

ClinVar aggregate classification (germline): Uncertain significance (1 of 4 stars; one submission).

Conditions:
Kabuki syndrome. Also called: Kabuki make-up syndrome; NIIKAWA-KUROKI SYNDROME. Identifiers: Orphanet 2322, MedGen C0796004, MONDO:0016512.

Submission:

Labcorp Genetics (formerly Invitae), Labcorp
Classification: Uncertain significance for Kabuki syndrome. Last evaluated: 2022-10-17. Review status: criteria provided, single submitter. Criteria: Invitae Variant Classification Sherloc (09022015). Collection method: clinical testing. Allele origin: germline.
Comment: In summary, the available evidence is currently insufficient to determine the role of this variant in disease. Therefore, it has been classified as a Variant of Uncertain Significance. Advanced modeling of protein sequence and biophysical properties (such as structural, functional, and spatial information, amino acid conservation, physicochemical variation, residue mobility, and thermodynamic stability) performed at Invitae indicates that this missense variant is not expected to disrupt KMT2D protein function. This variant has not been reported in the literature in individuals affected with KMT2D-related conditions. This variant is not present in population databases (gnomAD no frequency). This sequence change replaces glycine, which is neutral and non-polar, with glutamic acid, which is acidic and polar, at codon 4187 of the KMT2D protein (p.Gly4187Glu).

NM_003482.4(KMT2D):c.12560G>A (p.Gly4187Glu)

Gene: KMT2D (lysine methyltransferase 2D; minus strand). Cytogenetic location: 12q13.12.
Variant type: single nucleotide variant.
Coding change: c.12560G>A on transcript NM_003482.4 (MANE Select); coding-DNA position 12560, G replaced by A.
Protein change: p.Gly4187Glu; replaces glycine 4187 with glutamic acid.
Molecular consequence: missense variant.
Genome position (GRCh38, 1-based): chr12:49,032,145, C>T on the plus strand (G>A on the coding strand, the complement: KMT2D is on the minus strand). VCF-style: chr12-49032145-C-T. GRCh37 (hg19) VCF-style: chr12-49425928-C-T.
Other names: short protein forms G4187E.
Identifiers: ClinVar variation 1719037 (VCV001719037.5), dbSNP rs1942951478, ClinGen allele CA384710824.
Genomic context (GRCh38, chr12:49,032,145, plus strand): 5'-TTGGCCAGGACTCCTTGGAGCTGTGCTCGAAGCTGACCCACCGTAGGCATGATTCCAACC[C>T]CAGGCAGACCCTGCCCAGACTGGAGGACAGGTCCTGGTTTGGGAGGTTGTGGCCCTGTAT-3'
Protein context (NP_003473.3, residues 4177-4197): PVLQSGQGLP[Gly4187Glu]VGIMPTVGQL